The following is an entry in ClinVar:

NR_003051.4(RMRP):n.169A>C

Gene: RMRP (RNA component of mitochondrial RNA processing endoribonuclease; minus strand). Cytogenetic location: 9p13.3.
Variant type: single nucleotide variant.
Molecular consequence: non-coding transcript variant (on NR_003051.4).
Genome position: GRCh38 VCF-style: chr9-35657851-T-G. GRCh37 (hg19) VCF-style: chr9-35657848-T-G.
Identifiers: ClinVar variation 2993889 (VCV002993889.2), dbSNP rs2490600572, ClinGen allele CA464450654.

ClinVar aggregate classification (germline): Uncertain significance (1 of 4 stars; one submission).

Conditions:
Anauxetic dysplasia. Identifiers: Orphanet 93347, MedGen C1846796, MONDO:0011773.

Allele frequency attached by ClinVar (database versions not stated): gnomAD exomes below 0.00001.
gnomAD v4.1: 1 of 700,442 alleles (0.00014%); highest among the groups gnomAD compares: Non-Finnish European, 0.00026%; no homozygotes.

Submission:

Labcorp Genetics (formerly Invitae), Labcorp
Classification: Uncertain significance for Anauxetic dysplasia. Last evaluated: 2023-06-03. Review status: criteria provided, single submitter. Criteria: Invitae Variant Classification Sherloc (09022015). Collection method: clinical testing. Allele origin: germline.
Comment: In summary, the available evidence is currently insufficient to determine the role of this variant in disease. Therefore, it has been classified as a Variant of Uncertain Significance. Experimental studies and prediction algorithms are not available or were not evaluated, and the functional significance of this variant is currently unknown. This variant has not been reported in the literature in individuals affected with RMRP-related conditions. This variant is not present in population databases (gnomAD no frequency). This variant occurs in the RMRP gene, which encodes an RNA molecule that does not result in a protein product.